The following is an entry in ClinVar:

ClinVar aggregate classification (germline): Uncertain significance. Review status: criteria provided, multiple submitters, no conflicts (2 of 4 stars). 2 submissions from 2 submitters: Uncertain significance (2). Last evaluated 2026-08-03.

Conditions:
Familial melanoma. Also called: Hereditary melanoma; Hereditary cutaneous melanoma. Identifiers: Orphanet 618, MedGen C1512419, MONDO:0018961.
Hereditary cancer-predisposing syndrome. Also called: Tumor predisposition; Hereditary neoplastic syndrome; Neoplastic Syndromes, Hereditary; Hereditary Cancer Syndrome. Identifiers: Orphanet 140162, MedGen C0027672, MeSH D009386, MONDO:0015356.

Allele frequency attached by ClinVar (database versions not stated): TOPMed 0.00001.
gnomAD v4.1: 2 of 1,613,990 alleles (0.00012%); highest among the groups gnomAD compares: Non-Finnish European, 0.00017%; no homozygotes.

Submissions (2):

Ambry Genetics
Classification: Uncertain significance for Hereditary cancer-predisposing syndrome. Last evaluated: 2026-08-03. Review status: criteria provided, single submitter. Criteria: Ambry Variant Classification Scheme 2023. Collection method: clinical testing. Allele origin: germline.
Comment: The p.R288* variant (also known as c.862C>T), located in coding exon 7 of the CDK4 gene, results from a C to T substitution at nucleotide position 862. This changes the amino acid from an arginine to a stop codon within coding exon 7. This variant occurs at the 3' terminus of the gene and is not expected to trigger nonsense-mediated mRNA decay. Based on the available evidence, the clinical significance of this variant remains unclear.

Labcorp Genetics (formerly Invitae), Labcorp
Classification: Uncertain significance for Familial melanoma. Last evaluated: 2025-10-26. Review status: criteria provided, single submitter. Criteria: Invitae Variant Classification Sherloc (09022015). Collection method: clinical testing. Allele origin: germline.
Comment: This sequence change creates a premature translational stop signal (p.Arg288*) in the CDK4 gene. While this is not anticipated to result in nonsense mediated decay, it is expected to disrupt the last 16 amino acid(s) of the CDK4 protein. This variant is present in population databases (no rsID available, gnomAD 0.0009%). This variant has not been reported in the literature in individuals affected with CDK4-related conditions. ClinVar contains an entry for this variant (Variation ID: 857478). Experimental studies and prediction algorithms are not available or were not evaluated, and the functional significance of this variant is currently unknown. Algorithms developed to predict the effect of sequence changes on RNA splicing suggest that this variant may disrupt the consensus splice site. In summary, the available evidence is currently insufficient to determine the role of this variant in disease. Therefore, it has been classified as a Variant of Uncertain Significance.

NM_000075.4(CDK4):c.862C>T (p.Arg288Ter)

Genes: CDK4 (cyclin dependent kinase 4; minus strand), TSPAN31 (tetraspanin 31; plus strand). Cytogenetic location: 12q14.1.
Variant type: single nucleotide variant.
Coding change: c.862C>T on transcript NM_000075.4 (MANE Select); coding-DNA position 862, C replaced by T.
Protein change: p.Arg288Ter; replaces arginine 288 with a stop codon.
Molecular consequence: nonsense. On other transcripts: 3 prime UTR variant (3).
Genome position (GRCh38, 1-based): chr12:57,748,575, G>A on the plus strand (C>T on the coding strand, the complement: CDK4 is on the minus strand). VCF-style: chr12-57748575-G-A. GRCh37 (hg19) VCF-style: chr12-58142358-G-A.
Other names: c.*1285G>A (NM_001330168.2, NM_001330169.2, NM_005981.5); short protein forms R288*.
Identifiers: ClinVar variation 857478 (VCV000857478.10), dbSNP rs587779897, ClinGen allele CA385542413.
Genomic context (GRCh38, chr12:57,748,575, plus strand): 5'-ACTCCATTGCTCACTCCGGATTACCTTCATCCTTATGTAGATAAGAGTGCTGCAGAGCTC[G>A]AAAGGCAGAGATTCGCTTGTGTGGGTTAAAAGTCAGCATTTCCTGAGGGGAGAGGCAAAG-3'